The following is an entry in ClinVar:

ClinVar aggregate classification (germline): Uncertain significance (1 of 4 stars; one submission).

Conditions:
Familial thoracic aortic aneurysm and aortic dissection (TAAD). Also called: Thoracic aortic aneurysms and dissections. Identifiers: Orphanet 91387, MedGen C4707243, MONDO:0019625.

gnomAD v4.1: 1 of 1,614,146 alleles (0.000062%); highest among the groups gnomAD compares: Non-Finnish European, 0.000085%; no homozygotes.

Submission:

All of Us Research Program, National Institutes of Health
Classification: Uncertain significance for Familial thoracic aortic aneurysm and aortic dissection. Last evaluated: 2024-07-10. Review status: criteria provided, single submitter. Criteria: ACMG Guidelines, 2015. Collection method: clinical testing. Allele origin: germline. Inheritance: Autosomal dominant inheritance. Observed: 1 variant allele, 1 heterozygote.
Comment: This missense variant replaces alanine with serine at codon 1310 of the MYH11 protein. Computational prediction tools indicate that this variant has a neutral impact on protein structure and function. To our knowledge, functional studies have not been reported for this variant. This variant has not been reported in individuals affected with MYH11-related disorders in the literature. This variant has not been identified in the general population by the Genome Aggregation Database (gnomAD). The available evidence is insufficient to determine the role of this variant in disease conclusively. Therefore, this variant is classified as a Variant of Uncertain Significance.

This study involves interpretation of variants in research participants for the purpose of population health screening. Participant phenotype was not available at the time of variant classification. Additional details can be found in publication PMID: 35346344, PMCID: PMC8962531

NM_002474.3(MYH11):c.3907G>T (p.Ala1303Ser)

Genes: NDE1 (nudE neurodevelopment protein 1; plus strand), MYH11 (myosin heavy chain 11; minus strand). Cytogenetic location: 16p13.11.
Variant type: single nucleotide variant.
Coding change: c.3907G>T on transcript NM_002474.3 (MANE Select); coding-DNA position 3907, G replaced by T.
Protein change: p.Ala1303Ser; replaces alanine 1303 with serine.
Molecular consequence: missense variant. On other transcripts: 3 prime UTR variant (2).
Genome position (GRCh38, 1-based): chr16:15,724,944, C>A on the plus strand (G>T on the coding strand, the complement: MYH11 is on the minus strand). VCF-style: chr16-15724944-C-A. GRCh37 (hg19) VCF-style: chr16-15818801-C-A.
Other names: c.3928G>T, p.Ala1310Ser (NM_001040113.2, NM_001040114.2); c.3907G>T, p.Ala1303Ser (NM_022844.3); c.*693C>A (NM_001143979.2, NM_017668.3); short protein forms A1303S, A1310S.
Identifiers: ClinVar variation 3387191 (VCV003387191.1).